The following is an entry in ClinVar:

ClinVar aggregate classification (germline): Benign/Likely benign. Review status: criteria provided, multiple submitters, no conflicts (2 of 4 stars). 3 submissions from 3 submitters: Benign (1); Likely benign (2). Last evaluated 2026-09-18.

Conditions:
Colorectal cancer, hereditary nonpolyposis, type 7. Identifiers: Orphanet 144, MedGen C1858380, MONDO:0013725, OMIM 614385.

Allele frequency attached by ClinVar (database versions not stated): gnomAD exomes below 0.00001; TOPMed below 0.00001; gnomAD 0.00001.
gnomAD v4.1: 6 of 1,613,916 alleles (0.00037%); highest among the groups gnomAD compares: Middle Eastern, 0.016%; no homozygotes.

Submissions (3):

Myriad Genetics, Inc.
Classification: Benign for Colorectal cancer, hereditary nonpolyposis, type 7. Last evaluated: 2026-09-18. Review status: criteria provided, single submitter. Criteria: Myriad Autosomal Dominant, Autosomal Recessive and X-Linked Classification Criteria (2023). Collection method: clinical testing. Allele origin: unknown.
Comment: This variant is considered benign. This variant is a silent/synonymous amino acid change and it is not expected to impact splicing.

Labcorp Genetics (formerly Invitae), Labcorp
Classification: Likely benign for Colorectal cancer, hereditary nonpolyposis, type 7. Last evaluated: 2024-08-12. Review status: criteria provided, single submitter. Criteria: Invitae Variant Classification Sherloc (09022015). Collection method: clinical testing. Allele origin: germline.

Ambry Genetics
Classification: Likely benign. Last evaluated: 2022-01-01. Review status: criteria provided, single submitter. Criteria: Ambry Variant Classification Scheme 2023. Collection method: clinical testing. Allele origin: germline.

NM_001040108.2(MLH3):c.2109A>G (p.Lys703=)

Gene: MLH3 (mutL homolog 3; minus strand). Cytogenetic location: 14q24.3.
Variant type: single nucleotide variant.
Coding change: c.2109A>G on transcript NM_001040108.2 (MANE Select); coding-DNA position 2109, A replaced by G.
Protein change: p.Lys703=; no amino-acid change (lysine 703 retained).
Molecular consequence: synonymous variant.
Genome position (GRCh38, 1-based): chr14:75,047,547, T>C on the plus strand (A>G on the coding strand, the complement: MLH3 is on the minus strand). VCF-style: chr14-75047547-T-C. GRCh37 (hg19) VCF-style: chr14-75514250-T-C.
Other names: c.2109A>G, p.Lys703= (NM_014381.3).
Identifiers: ClinVar variation 1786020 (VCV001786020.5), dbSNP rs1402885146, ClinGen allele CA487273882.